The following is an entry in ClinVar:

NM_018972.4(GDAP1):c.719G>C (p.Cys240Ser)

Gene: GDAP1 (ganglioside induced differentiation associated protein 1; plus strand). Cytogenetic location: 8q21.11.
Variant type: single nucleotide variant.
Coding change: c.719G>C on transcript NM_018972.4 (MANE Select); coding-DNA position 719, G replaced by C.
Protein change: p.Cys240Ser; replaces cysteine 240 with serine.
Molecular consequence: missense variant. On other transcripts: intron variant (1).
Genome position (GRCh38, 1-based): chr8:74,364,009, G>C. VCF-style: chr8-74364009-G-C. GRCh37 (hg19) VCF-style: chr8-75276244-G-C.
Other names: c.515G>C, p.Cys172Ser (NM_001040875.4); c.392G>C, p.Cys131Ser (NM_001362929.2, NM_001362932.2); c.545G>C, p.Cys182Ser (NM_001362930.2); c.694+956G>C (NM_001362931.2); short protein forms C131S, C172S, C182S, C240S.
Identifiers: ClinVar variation 909881 (VCV000909881.13), dbSNP rs121908115, ClinGen allele CA179735441.

ClinVar aggregate classification (germline): Uncertain significance. Review status: criteria provided, multiple submitters, no conflicts (2 of 4 stars). 4 submissions from 3 submitters: Uncertain significance (4). Last evaluated 2024-09-17.

Conditions:
Charcot-Marie-Tooth disease type 4A. Also called: Charcot-Marie-Tooth disease, demyelinating, autosomal recessive, type 4a. Identifiers: Orphanet 99948, MedGen C1859198, MONDO:0008961, OMIM 214400.
Charcot-Marie-Tooth disease recessive intermediate A (CMTRIA). Also called: CHARCOT-MARIE-TOOTH NEUROPATHY, RECESSIVE INTERMEDIATE A. Identifiers: Orphanet 217055, MedGen C1842197, MONDO:0012014, OMIM 608340.
Charcot-Marie-Tooth disease, axonal, with vocal cord paresis, autosomal recessive. Also called: CHARCOT-MARIE-TOOTH DISEASE, TYPE 4A, AXONAL FORM; CHARCOT-MARIE-TOOTH NEUROPATHY, AXONAL, WITH VOCAL CORD PARESIS, AUTOSOMAL RECESSIVE; CMT2 WITH VOCAL CORD PARESIS, AUTOSOMAL RECESSIVE. Identifiers: Orphanet 101097, MedGen C1843183, MONDO:0011898, OMIM 607706.

Allele frequency attached by ClinVar (database versions not stated): gnomAD exomes below 0.00001 and 0.00001; TOPMed below 0.00001.
gnomAD v4.1: 9 of 1,613,942 alleles (0.00056%); highest among the groups gnomAD compares: Non-Finnish European, 0.00068%; no homozygotes.

Submissions (4):

Labcorp Genetics (formerly Invitae), Labcorp
Classification: Uncertain significance for Charcot-Marie-Tooth disease type 4A. Last evaluated: 2024-09-17. Review status: criteria provided, single submitter. Criteria: Invitae Variant Classification Sherloc (09022015). Collection method: clinical testing. Allele origin: germline.
Comment: This sequence change replaces cysteine, which is neutral and slightly polar, with serine, which is neutral and polar, at codon 240 of the GDAP1 protein (p.Cys240Ser). This variant is present in population databases (no rsID available, gnomAD 0.0009%). This variant has not been reported in the literature in individuals affected with GDAP1-related conditions. ClinVar contains an entry for this variant (Variation ID: 909881). An algorithm developed to predict the effect of missense changes on protein structure and function (PolyPhen-2) suggests that this variant is likely to be disruptive. In summary, the available evidence is currently insufficient to determine the role of this variant in disease. Therefore, it has been classified as a Variant of Uncertain Significance.

Women's Health and Genetics/Laboratory Corporation of America, LabCorp
Classification: Uncertain significance. Last evaluated: 2024-04-11. Review status: criteria provided, single submitter. Criteria: LabCorp Variant Classification Summary - May 2015. Collection method: clinical testing. Allele origin: germline.
Comment: Variant summary: GDAP1 c.719G>C (p.Cys240Ser) results in a non-conservative amino acid change in the encoded protein sequence. Five of five in-silico tools predict a damaging effect of the variant on protein function. The variant allele was found at a frequency of 4e-06 in 251444 control chromosomes. The available data on variant occurrences in the general population are insufficient to allow any conclusion about variant significance. To our knowledge, no occurrence of c.719G>C in individuals affected with Charcot-Marie Disease Type 4A and no experimental evidence demonstrating its impact on protein function have been reported. ClinVar contains an entry for this variant (Variation ID: 909881). Based on the evidence outlined above, the variant was classified as uncertain significance.

Illumina Laboratory Services, Illumina
Classification: Uncertain significance for Charcot-Marie-Tooth disease, axonal, with vocal cord paresis, autosomal recessive. Last evaluated: 2017-04-27. Review status: criteria provided, single submitter. Criteria: ICSL Variant Classification Criteria 13 December 2019. Collection method: clinical testing. Allele origin: germline.

Illumina Laboratory Services, Illumina
Classification: Uncertain significance for Charcot-Marie-Tooth disease recessive intermediate A. Last evaluated: 2017-04-27. Review status: criteria provided, single submitter. Criteria: ICSL Variant Classification Criteria 13 December 2019. Collection method: clinical testing. Allele origin: germline.